The following is an entry in ClinVar:

NM_031935.3(HMCN1):c.2374C>T (p.Pro792Ser)

Gene: HMCN1 (hemicentin 1; plus strand). Cytogenetic location: 1q31.1.
Variant type: single nucleotide variant.
Coding change: c.2374C>T on transcript NM_031935.3 (MANE Select); coding-DNA position 2374, C replaced by T.
Protein change: p.Pro792Ser; replaces proline 792 with serine.
Molecular consequence: missense variant.
Genome position (GRCh38, 1-based): chr1:185,977,789, C>T. VCF-style: chr1-185977789-C-T. GRCh37 (hg19) VCF-style: chr1-185946921-C-T.
Other names: short protein forms P792S.
Identifiers: ClinVar variation 2964585 (VCV002964585.3), dbSNP rs1274437852, ClinGen allele CA343882465.

ClinVar aggregate classification (germline): Uncertain significance (1 of 4 stars; one submission).

Allele frequency attached by ClinVar (database versions not stated): gnomAD exomes below 0.00001; TOPMed 0.00001.
gnomAD v4.1: 5 of 1,607,528 alleles (0.00031%); highest among the groups gnomAD compares: Non-Finnish European, 0.00043%; no homozygotes.

Submission:

Labcorp Genetics (formerly Invitae), Labcorp
Classification: Uncertain significance. Last evaluated: 2026-01-08. Review status: criteria provided, single submitter. Criteria: Invitae Variant Classification Sherloc (09022015). Collection method: clinical testing. Allele origin: germline.
Comment: This sequence change replaces proline, which is neutral and non-polar, with serine, which is neutral and polar, at codon 792 of the HMCN1 protein (p.Pro792Ser). This variant is present in population databases (no rsID available, gnomAD 0.002%). This variant has not been reported in the literature in individuals affected with HMCN1-related conditions. ClinVar contains an entry for this variant (Variation ID: 2964585). An algorithm developed to predict the effect of missense changes on protein structure and function outputs the following: PolyPhen-2: "Benign". The serine amino acid residue is found in multiple mammalian species, which suggests that this missense change does not adversely affect protein function. In summary, the available evidence is currently insufficient to determine the role of this variant in disease. Therefore, it has been classified as a Variant of Uncertain Significance.